The following is an entry in ClinVar:

NM_006565.4(CTCF):c.784G>C (p.Val262Leu)

Gene: CTCF (CCCTC-binding factor; plus strand). Cytogenetic location: 16q22.1.
Variant type: single nucleotide variant.
Coding change: c.784G>C on transcript NM_006565.4 (MANE Select); coding-DNA position 784, G replaced by C.
Protein change: p.Val262Leu; replaces valine 262 with leucine.
Molecular consequence: missense variant. On other transcripts: intron variant (1).
Genome position (GRCh38, 1-based): chr16:67,611,953, G>C. VCF-style: chr16-67611953-G-C. GRCh37 (hg19) VCF-style: chr16-67645856-G-C.
Other names: c.784G>C, p.Val262Leu (NM_001363916.2, NM_001438968.1, NM_001438969.1); c.-32-4792G>C (NM_001191022.2); short protein forms V262L.
Identifiers: ClinVar variation 5009597 (VCV005009597.1).

ClinVar aggregate classification (germline): Uncertain significance (1 of 4 stars; one submission).

gnomAD v4.1: 1 of 1,613,912 alleles (0.000062%); highest among the groups gnomAD compares: Non-Finnish European, 0.000085%; no homozygotes.

Submission:

GeneDx
Classification: Uncertain significance. Last evaluated: 2026-03-21. Review status: criteria provided, single submitter. Criteria: GeneDx Variant Classification Process June 2021. Collection method: clinical testing. Allele origin: germline.
Comment: Not observed at significant frequency in large population cohorts (gnomAD); In silico analysis suggests that this missense variant does not alter protein structure/function; Has not been previously published as pathogenic or benign to our knowledge